The following is an entry in ClinVar:

NM_001142800.2(EYS):c.6324C>A (p.Cys2108Ter)

Gene: EYS (EGF-like photoreceptor maintenance factor; minus strand). Cytogenetic location: 6q12.
Variant type: single nucleotide variant.
Coding change: c.6324C>A on transcript NM_001142800.2 (MANE Select); coding-DNA position 6324, C replaced by A.
Protein change: p.Cys2108Ter; replaces cysteine 2108 with a stop codon.
Molecular consequence: nonsense.
Genome position (GRCh38, 1-based): chr6:64,230,692, G>T on the plus strand (C>A on the coding strand, the complement: EYS is on the minus strand). VCF-style: chr6-64230692-G-T. GRCh37 (hg19) VCF-style: chr6-64940585-G-T.
Other names: c.6324C>A (NM_001142800.1); c.6324C>A, p.Cys2108Ter (NM_001292009.2); short protein forms C2108*.
Identifiers: ClinVar variation 1449476 (VCV001449476.8), dbSNP rs1469992138, ClinGen allele CA364391355.

ClinVar aggregate classification (germline): Pathogenic. Review status: criteria provided, multiple submitters, no conflicts (2 of 4 stars). 2 submissions from 2 submitters: Pathogenic (2). Last evaluated 2025-03-19.

Conditions:
Retinitis pigmentosa 25 (RP25). Identifiers: Orphanet 791, MedGen C1864446, MONDO:0011272, OMIM 602772.

gnomAD v4.1: 1 of 1,551,564 alleles (0.000064%); highest among the groups gnomAD compares: Non-Finnish European, 0.000087%; no homozygotes.

Submissions (2):

Natera, Inc.
Classification: Pathogenic for Retinitis pigmentosa type 25. Last evaluated: 2025-03-19. Review status: criteria provided, single submitter. Criteria: Natera Variant Classification Schema (03/2026). Collection method: clinical testing. Allele origin: germline.
Comment: The c.6324C>A variant in EYS is a nonsense variant predicted to introduce a stop codon at amino acid 2108. This variant is expected to result in nonsense mediated decay, truncation, or a dysfunctional protein product. This variant is rare in the general population with a frequency below the threshold expected for the associated phenotype(s). This variant has been observed in one or more individuals affected with the associated recessive disease, as either homozygous or compound heterozygous with a second variant (PMID: 38465142). Given the available evidence, this variant is classified as Pathogenic.

Labcorp Genetics (formerly Invitae), Labcorp
Classification: Pathogenic. Last evaluated: 2023-02-19. Review status: criteria provided, single submitter. Criteria: Invitae Variant Classification Sherloc (09022015). Collection method: clinical testing. Allele origin: germline.
Comment: For these reasons, this variant has been classified as Pathogenic. ClinVar contains an entry for this variant (Variation ID: 1449476). This variant has not been reported in the literature in individuals affected with EYS-related conditions. This variant is not present in population databases (gnomAD no frequency). This sequence change creates a premature translational stop signal (p.Cys2108*) in the EYS gene. It is expected to result in an absent or disrupted protein product. Loss-of-function variants in EYS are known to be pathogenic (PMID: 18836446, 20333770).

Literature cited by the submitters: PubMed 38465142 (cited by Natera, Inc.); PubMed 18836446 (cited by Labcorp Genetics (formerly Invitae), Labcorp); PubMed 20333770 (cited by Labcorp Genetics (formerly Invitae), Labcorp).